The following is an entry in ClinVar:

NM_032638.5(GATA2):c.953C>T (p.Ala318Val)

Gene: GATA2 (GATA binding protein 2; minus strand). Cytogenetic location: 3q21.3.
Variant type: single nucleotide variant.
Coding change: c.953C>T on transcript NM_032638.5 (MANE Select); coding-DNA position 953, C replaced by T.
Protein change: p.Ala318Val; replaces alanine 318 with valine.
Molecular consequence: missense variant.
Genome position (GRCh38, 1-based): chr3:128,483,924, G>A on the plus strand (C>T on the coding strand, the complement: GATA2 is on the minus strand). VCF-style: chr3-128483924-G-A. GRCh37 (hg19) VCF-style: chr3-128202767-G-A.
Other names: c.953C>T, p.Ala318Val (NM_001145661.2, NM_001145662.1); short protein forms A318V.
Identifiers: ClinVar variation 2941214 (VCV002941214.3), dbSNP rs2107670397, ClinGen allele CA354404511.

ClinVar aggregate classification (germline): Uncertain significance (1 of 4 stars; one submission).

Conditions:
Deafness-lymphedema-leukemia syndrome. Also called: Lymphedema, primary, with myelodysplasia; Emberger syndrome. Identifiers: Orphanet 3226, MedGen C3279664, MONDO:0013540, OMIM 614038.
Monocytopenia with susceptibility to infections. Also called: MONOCYTOPENIA AND MYCOBACTERIAL INFECTION SYNDROME; MONOCYTOPENIA WITH SUSCEPTIBILITY TO MYCOBACTERIAL, FUNGAL, AND PAPILLOMAVIRUS INFECTIONS AND MYELODYSPLASIA; COMBINED IMMUNODEFICIENCY WITH SUSCEPTIBILITY TO MYCOBACTERIAL, VIRAL, AND FUNGAL INFECTIONS; Dendritic cell, monocyte, B lymphocyte, and natural killer lymphocyte deficiency; IMMUNODEFICIENCY 21; GATA2 DEFICIENCY. Identifiers: Orphanet 228423, MedGen C3280030, MONDO:0013607, OMIM 614172.

Submission:

Labcorp Genetics (formerly Invitae), Labcorp
Classification: Uncertain significance for Monocytopenia with susceptibility to infections; Deafness-lymphedema-leukemia syndrome. Last evaluated: 2022-11-02. Review status: criteria provided, single submitter. Criteria: Invitae Variant Classification Sherloc (09022015). Collection method: clinical testing. Allele origin: germline.
Comment: In summary, the available evidence is currently insufficient to determine the role of this variant in disease. Therefore, it has been classified as a Variant of Uncertain Significance. Advanced modeling of protein sequence and biophysical properties (such as structural, functional, and spatial information, amino acid conservation, physicochemical variation, residue mobility, and thermodynamic stability) performed at Invitae indicates that this missense variant is expected to disrupt GATA2 protein function. This variant has not been reported in the literature in individuals affected with GATA2-related conditions. This variant is not present in population databases (gnomAD no frequency). This sequence change replaces alanine, which is neutral and non-polar, with valine, which is neutral and non-polar, at codon 318 of the GATA2 protein (p.Ala318Val).